The following is an entry in ClinVar:

NM_000540.3(RYR1):c.9555-10C>T

Gene: RYR1 (ryanodine receptor 1; plus strand). Cytogenetic location: 19q13.2.
Variant type: single nucleotide variant.
Coding change: c.9555-10C>T on transcript NM_000540.3 (MANE Select); 10 bases into the intron before coding-DNA position 9555, C replaced by T.
Molecular consequence: intron variant.
Genome position (GRCh38, 1-based): chr19:38,516,077, C>T. VCF-style: chr19-38516077-C-T. GRCh37 (hg19) VCF-style: chr19-39006717-C-T.
Other names: c.9555-10C>T (NM_001042723.2).
Identifiers: ClinVar variation 329089 (VCV000329089.17), dbSNP rs774666035, ClinGen allele CA073793.

ClinVar aggregate classification (germline): Likely benign. Review status: criteria provided, multiple submitters, no conflicts (2 of 4 stars). 5 submissions from 5 submitters: Likely benign (5). Last evaluated 2026-01-28.

Conditions:
RYR1-related disorder. Also called: RYR1-related disorders; RYR1-related condition. Identifiers: MedGen CN239331.
Malignant hyperthermia, susceptibility to, 1 (MHS1). Also called: Anesthesia related hyperthermia; Malignant hyperpyrexia; Fulminating hyperpyrexia; Pharmacogenic myopathy; RYR1-Related Malignant Hyperthermia Susceptibility; Malignant hyperthermia suceptibility 1. Identifiers: Orphanet 423, MedGen C2930980, MONDO:0007783, OMIM 145600.

Allele frequency attached by ClinVar (database versions not stated): ExAC below 0.00001; gnomAD exomes 0.00003 and 0.00006; gnomAD 0.00006 and 0.00007; TOPMed 0.00007; 1000 Genomes Project 30x 0.00016.
gnomAD v4.1: 99 of 1,547,306 alleles (0.0064%); highest among the groups gnomAD compares: Non-Finnish European, 0.0078%; no homozygotes.

Submissions (5):

Labcorp Genetics (formerly Invitae), Labcorp
Classification: Likely benign for RYR1-related disorder. Last evaluated: 2026-01-28. Review status: criteria provided, single submitter. Criteria: Invitae Variant Classification Sherloc (09022015). Collection method: clinical testing. Allele origin: germline.

Women's Health and Genetics/Laboratory Corporation of America, LabCorp
Classification: Likely benign. Last evaluated: 2025-01-13. Review status: criteria provided, single submitter. Criteria: LabCorp Variant Classification Summary - May 2015. Collection method: clinical testing. Allele origin: germline.

Blueprint Genetics
Classification: Likely benign. Last evaluated: 2024-09-03. Review status: criteria provided, single submitter. Criteria: ACMG Guidelines, 2015. Collection method: clinical testing. Allele origin: germline.

Color Diagnostics, LLC DBA Color Health
Classification: Likely benign for Malignant hyperthermia, susceptibility to, 1. Last evaluated: 2022-12-12. Review status: criteria provided, single submitter. Criteria: ACMG Guidelines, 2015. Collection method: clinical testing. Allele origin: germline.

GeneDx
Classification: Likely benign. Last evaluated: 2016-12-06. Review status: criteria provided, single submitter. Criteria: GeneDx Variant Classification (06012015). Collection method: clinical testing. Allele origin: germline. Affected: yes.
Comment: This variant is considered likely benign or benign based on one or more of the following criteria: it is a conservative change, it occurs at a poorly conserved position in the protein, it is predicted to be benign by multiple in silico algorithms, and/or has population frequency not consistent with disease.